The following is an entry in ClinVar:

ClinVar aggregate classification (germline): Conflicting classifications of pathogenicity. Review status: criteria provided, conflicting classifications (1 of 4 stars). 5 submissions from 5 submitters: Uncertain significance (4); Benign (1). Last evaluated 2025-08-29.

Conditions:
Inborn genetic diseases. Identifiers: MedGen C0950123, MeSH D030342.
Hyperaldosteronism, familial, type IV (HALD4). Also called: FH IV; ALDOSTERONISM, PRIMARY, AND HYPERTENSION. Identifiers: Orphanet 642671, MedGen C4310756, MONDO:0014875, OMIM 617027.
Epilepsy, childhood absence, susceptibility to, 6. Identifiers: Orphanet 64280, MedGen C2749872, MONDO:0012763, OMIM 611942.
Idiopathic generalized epilepsy. Also called: EIG; Generalised epilepsy. Identifiers: MedGen C0270850, MONDO:0005579, OMIM 600669.

Allele frequency attached by ClinVar (database versions not stated): ExAC 0.00007; gnomAD 0.00007; TOPMed 0.00009; ESP Exome Variant Server 0.00025.
gnomAD v4.1: 375 of 1,612,394 alleles (0.023%); highest among the groups gnomAD compares: Non-Finnish European, 0.03%; no homozygotes.

Submissions (5):

Labcorp Genetics (formerly Invitae), Labcorp
Classification: Benign for Idiopathic generalized epilepsy; Hyperaldosteronism, familial, type IV. Last evaluated: 2025-08-29. Review status: criteria provided, single submitter. Criteria: Invitae Variant Classification Sherloc (09022015). Collection method: clinical testing. Allele origin: germline.

Ambry Genetics
Classification: Uncertain significance for Inborn genetic diseases. Last evaluated: 2025-08-07. Review status: criteria provided, single submitter. Criteria: Ambry Variant Classification Scheme 2023. Collection method: clinical testing. Allele origin: germline.

Fulgent Genetics
Classification: Uncertain significance for Epilepsy, childhood absence, susceptibility to, 6; Hyperaldosteronism, familial, type IV. Last evaluated: 2022-04-05. Review status: criteria provided, single submitter. Criteria: ACMG Guidelines, 2015. Collection method: clinical testing. Allele origin: unknown.

GeneDx
Classification: Uncertain significance. Last evaluated: 2021-03-05. Review status: criteria provided, single submitter. Criteria: GeneDx Variant Classification Process June 2021. Collection method: clinical testing. Allele origin: germline. Affected: yes.
Comment: In silico analysis supports that this missense variant does not alter protein structure/function; Has not been previously published as pathogenic or benign to our knowledge

Breakthrough Genomics
Classification: Uncertain significance. Review status: criteria provided, single submitter. Criteria: ACMG Guidelines, 2015. Collection method: not provided. Allele origin: germline. Inheritance: Autosomal dominant inheritance. Affected: yes.

NM_021098.3(CACNA1H):c.6817C>T (p.Leu2273Phe)

Gene: CACNA1H (calcium voltage-gated channel subunit alpha1 H; plus strand). Cytogenetic location: 16p13.3.
Variant type: single nucleotide variant.
Coding change: c.6817C>T on transcript NM_021098.3 (MANE Select); coding-DNA position 6817, C replaced by T.
Protein change: p.Leu2273Phe; replaces leucine 2273 with phenylalanine.
Molecular consequence: missense variant.
Genome position (GRCh38, 1-based): chr16:1,220,749, C>T. VCF-style: chr16-1220749-C-T. GRCh37 (hg19) VCF-style: chr16-1270749-C-T.
Other names: c.6799C>T, p.Leu2267Phe (NM_001005407.2); short protein forms L2267F, L2273F.
Identifiers: ClinVar variation 969868 (VCV000969868.17), dbSNP rs201577113, ClinGen allele CA7802508.